The following is an entry in ClinVar:

ClinVar aggregate classification (germline): Pathogenic/Likely pathogenic. Review status: criteria provided, multiple submitters, no conflicts (2 of 4 stars). 3 submissions from 3 submitters: Pathogenic (1); Likely pathogenic (2). Last evaluated 2025-09-18.

Conditions:
Benign familial hematuria. Also called: thin basement membrane disease. Identifiers: MedGen C0241908, MONDO:0957317.
Autosomal recessive Alport syndrome (ATS2). Also called: ALPORT SYNDROME 2, AUTOSOMAL RECESSIVE; COL4A4 Alport Syndrome and Thin Basement Membrane Nephropathy; Alport syndrome type 2; COL4A3-Related Nephropathy. Identifiers: Orphanet 63, Orphanet 88919, MedGen C4746745, MONDO:0008762, OMIM 203780.
Hematuria, benign familial, 1 (BFH1). Also called: THIN MEMBRANE NEPHROPATHY. Identifiers: MedGen CN376803, MONDO:0007709, OMIM 141200.
Alport syndrome. Also called: Hemorrhagic familial nephritis; Hemorrhagic hereditary nephritis; Congenital hereditary hematuria. Identifiers: Orphanet 63, MedGen C1567741, MONDO:0018965.

Allele frequency attached by ClinVar (database versions not stated): gnomAD exomes below 0.00001.
gnomAD v4.1: 1 of 1,597,268 alleles (0.000063%); highest among the groups gnomAD compares: Non-Finnish European, 0.000086%; no homozygotes.

Submissions (3):

Natera, Inc.
Classification: Likely pathogenic for Alport syndrome. Last evaluated: 2025-09-18. Review status: criteria provided, single submitter. Criteria: Natera Variant Classification Schema (03/2026). Collection method: clinical testing. Allele origin: germline.
Comment: The c.941G>A variant in COL4A4 is a missense variant predicted to cause substitution of glycine to aspartic acid at amino acid 314. This variant is rare in the general population with a frequency below the threshold expected for the associated phenotype(s). This variant is located in a functionally critical region of the protein. Computational prediction algorithms indicate this variant is likely to affect gene or protein function. Given the available evidence, this variant is classified as Likely Pathogenic.

Fulgent Genetics
Classification: Pathogenic for Hematuria, benign familial, 1; Autosomal recessive Alport syndrome. Last evaluated: 2024-04-20. Review status: criteria provided, single submitter. Criteria: ACMG Guidelines, 2015. Collection method: clinical testing. Allele origin: germline.

Laboratorio de Genética Hospitales Universitarios Virgen de las Nieves y Clínico San Cecilio (Granada, Spain), Hospitales Universitarios Virgen de las Nieves y Clínico San Cecilio (Granada, Spain)
Classification: Likely pathogenic for Autosomal recessive Alport syndrome; Hematuria, benign familial, 1. Last evaluated: 2022-08-03. Review status: criteria provided, single submitter. Criteria: ACMG Guidelines, 2015. Collection method: clinical testing. Allele origin: germline. Inheritance: Autosomal recessive inheritance. Affected: yes. Observed: 1 variant allele.
Comment: ACMG 2015 criteria: PM1, PM2, PP2, PP3

NM_000092.5(COL4A4):c.941G>A (p.Gly314Asp)

Gene: COL4A4 (collagen type IV alpha 4 chain; minus strand). Cytogenetic location: 2q36.3.
Variant type: single nucleotide variant.
Coding change: c.941G>A on transcript NM_000092.5 (MANE Select); coding-DNA position 941, G replaced by A.
Protein change: p.Gly314Asp; replaces glycine 314 with aspartic acid.
Molecular consequence: missense variant.
Genome position (GRCh38, 1-based): chr2:227,101,899, C>T on the plus strand (G>A on the coding strand, the complement: COL4A4 is on the minus strand). VCF-style: chr2-227101899-C-T. GRCh37 (hg19) VCF-style: chr2-227966615-C-T.
Other names: c.941G>A (NM_000092.4); short protein forms G314D.
Identifiers: ClinVar variation 1699904 (VCV001699904.3), dbSNP rs1005389790, ClinGen allele CA66561030.